The following is an entry in ClinVar:

NM_001003787.4(STRADA):c.456C>T (p.Tyr152=)

Gene: STRADA (STE20 related adaptor alpha; minus strand). Cytogenetic location: 17q23.3.
Variant type: single nucleotide variant.
Coding change: c.456C>T on transcript NM_001003787.4 (MANE Select); coding-DNA position 456, C replaced by T.
Protein change: p.Tyr152=; no amino-acid change (tyrosine 152 retained).
Molecular consequence: synonymous variant. On other transcripts: non-coding transcript variant (1).
Genome position (GRCh38, 1-based): chr17:63,710,729, G>A on the plus strand (C>T on the coding strand, the complement: STRADA is on the minus strand). VCF-style: chr17-63710729-G-A. GRCh37 (hg19) VCF-style: chr17-61788089-G-A.
Other names: c.345C>T, p.Tyr115= (NM_001003786.3, NM_001363789.1, NM_153335.6); c.282C>T, p.Tyr94= (NM_001003788.3, NM_001363790.1, NM_001363791.1); c.369C>T, p.Tyr123= (NM_001165969.2, NM_001363787.1); c.324C>T, p.Tyr108= (NM_001165970.2); c.432C>T, p.Tyr144= (NM_001363786.1); c.456C>T, p.Tyr152= (NM_001363788.1).
Identifiers: ClinVar variation 951818 (VCV000951818.8), dbSNP rs186339975, ClinGen allele CA8703393.

ClinVar aggregate classification (germline): Uncertain significance. Review status: criteria provided, multiple submitters, no conflicts (2 of 4 stars). 2 submissions from 2 submitters: Uncertain significance (2). Last evaluated 2022-09-22.

Conditions:
Polyhydramnios, megalencephaly, and symptomatic epilepsy (PMSE). Also called: PMSE SYNDROME. Identifiers: Orphanet 500533, MedGen C1970203, MONDO:0012611, OMIM 611087.

Allele frequency attached by ClinVar (database versions not stated): gnomAD exomes 0.00001 and 0.00002; ExAC 0.00002; gnomAD 0.00004 and 0.00005; TOPMed 0.00005; 1000 Genomes Project 30x 0.00016; 1000 Genomes Project 0.00020.
gnomAD v4.1: 22 of 1,614,054 alleles (0.0014%); highest among the groups gnomAD compares: Middle Eastern, 0.049%; no homozygotes.

Submissions (2):

Labcorp Genetics (formerly Invitae), Labcorp
Classification: Uncertain significance for Polyhydramnios, megalencephaly, and symptomatic epilepsy. Last evaluated: 2022-09-22. Review status: criteria provided, single submitter. Criteria: Invitae Variant Classification Sherloc (09022015). Collection method: clinical testing. Allele origin: germline.
Comment: This sequence change affects codon 152 of the STRADA mRNA. It is a 'silent' change, meaning that it does not change the encoded amino acid sequence of the STRADA protein. It affects a nucleotide within the consensus splice site. This variant is present in population databases (rs186339975, gnomAD 0.01%). This variant has not been reported in the literature in individuals affected with STRADA-related conditions. ClinVar contains an entry for this variant (Variation ID: 951818). Algorithms developed to predict the effect of sequence changes on RNA splicing suggest that this variant is not likely to affect RNA splicing. In summary, the available evidence is currently insufficient to determine the role of this variant in disease. Therefore, it has been classified as a Variant of Uncertain Significance.

Breakthrough Genomics
Classification: Uncertain significance. Review status: criteria provided, single submitter. Criteria: ACMG Guidelines, 2015. Collection method: not provided. Allele origin: germline. Inheritance: Autosomal recessive inheritance. Affected: yes.